The following is an entry in ClinVar:

NM_001164508.2(NEB):c.2782C>G (p.Pro928Ala)

Gene: NEB (nebulin; minus strand). Cytogenetic location: 2q23.3.
Variant type: single nucleotide variant.
Coding change: c.2782C>G on transcript NM_001164508.2 (MANE Select); coding-DNA position 2782, C replaced by G.
Protein change: p.Pro928Ala; replaces proline 928 with alanine.
Molecular consequence: missense variant.
Genome position (GRCh38, 1-based): chr2:151,684,831, G>C on the plus strand (C>G on the coding strand, the complement: NEB is on the minus strand). VCF-style: chr2-151684831-G-C. GRCh37 (hg19) VCF-style: chr2-152541345-G-C.
Other names: c.2782C>G (NM_004543.4); c.2782C>G, p.Pro928Ala (NM_001164507.2, NM_001271208.2, NM_004543.5); short protein forms P928A.
Identifiers: ClinVar variation 1947730 (VCV001947730.7), dbSNP rs770678983, ClinGen allele CA1911124.

ClinVar aggregate classification (germline): Conflicting classifications of pathogenicity. Review status: criteria provided, conflicting classifications (1 of 4 stars). 3 submissions from 3 submitters: Uncertain significance (2); Likely benign (1). Last evaluated 2025-05-22.

Conditions:
Nemaline myopathy 2 (NEM2). Also called: Nemaline myopathy 2, autosomal recessive. Identifiers: MedGen C1850569, MONDO:0009725, OMIM 256030.
Inborn genetic diseases. Identifiers: MedGen C0950123, MeSH D030342.

gnomAD v4.1: 39 of 1,613,228 alleles (0.0024%); highest among the groups gnomAD compares: Non-Finnish European, 0.0033%; no homozygotes.

Submissions (3):

Labcorp Genetics (formerly Invitae), Labcorp
Classification: Likely benign for Nemaline myopathy 2. Last evaluated: 2025-05-22. Review status: criteria provided, single submitter. Criteria: Invitae Variant Classification Sherloc (09022015). Collection method: clinical testing. Allele origin: germline.

Ambry Genetics
Classification: Uncertain significance for Inborn genetic diseases. Last evaluated: 2024-10-12. Review status: criteria provided, single submitter. Criteria: Ambry Variant Classification Scheme 2023. Collection method: clinical testing. Allele origin: germline.

GeneDx
Classification: Uncertain significance. Last evaluated: 2022-10-18. Review status: criteria provided, single submitter. Criteria: GeneDx Variant Classification Process June 2021. Collection method: clinical testing. Allele origin: germline. Affected: yes.
Comment: In silico analysis supports that this missense variant has a deleterious effect on protein structure/function; Has not been previously published as pathogenic or benign to our knowledge